The following is an entry in ClinVar:

NM_017777.4(MKS1):c.1630G>A (p.Glu544Lys)

Gene: MKS1 (MKS transition zone complex subunit 1; minus strand). Cytogenetic location: 17q22.
Variant type: single nucleotide variant.
Coding change: c.1630G>A on transcript NM_017777.4 (MANE Select); coding-DNA position 1630, G replaced by A.
Protein change: p.Glu544Lys; replaces glutamic acid 544 with lysine.
Molecular consequence: missense variant. On other transcripts: 3 prime UTR variant (1).
Genome position (GRCh38, 1-based): chr17:58,206,129, C>T on the plus strand (G>A on the coding strand, the complement: MKS1 is on the minus strand). VCF-style: chr17-58206129-C-T. GRCh37 (hg19) VCF-style: chr17-56283490-C-T.
Other names: c.1021G>A, p.Glu341Lys (NM_001321268.2); c.1547G>A, p.Gly516Glu (NM_001321269.2); c.*42G>A (NM_001330397.2); short protein forms E544K, G516E, E341K.
Identifiers: ClinVar variation 2127746 (VCV002127746.4), dbSNP rs2509401093, ClinGen allele CA400324254.

ClinVar aggregate classification (germline): Uncertain significance (1 of 4 stars; one submission).

Conditions:
Joubert syndrome. Also called: CEREBELLOPARENCHYMAL DISORDER IV; JOUBERT-BOLTSHAUSER SYNDROME; Familial aplasia of the vermis. Identifiers: Orphanet 475, MedGen C5979921, MONDO:0018772.
Meckel-Gruber syndrome. Also called: DYSENCEPHALIA SPLANCHNOCYSTICA; GRUBER SYNDROME; Dysencephalia splachnocystica. Identifiers: Orphanet 564, MedGen C0265215, MONDO:0018921.

Submission:

Labcorp Genetics (formerly Invitae), Labcorp
Classification: Uncertain significance for Joubert syndrome; Meckel-Gruber syndrome. Last evaluated: 2022-04-18. Review status: criteria provided, single submitter. Criteria: Invitae Variant Classification Sherloc (09022015). Collection method: clinical testing. Allele origin: germline.
Comment: This variant is not present in population databases (gnomAD no frequency). This sequence change replaces glutamic acid, which is acidic and polar, with lysine, which is basic and polar, at codon 544 of the MKS1 protein (p.Glu544Lys). This variant has not been reported in the literature in individuals affected with MKS1-related conditions. Advanced modeling of protein sequence and biophysical properties (such as structural, functional, and spatial information, amino acid conservation, physicochemical variation, residue mobility, and thermodynamic stability) performed at Invitae indicates that this missense variant is not expected to disrupt MKS1 protein function. In summary, the available evidence is currently insufficient to determine the role of this variant in disease. Therefore, it has been classified as a Variant of Uncertain Significance.